The following is an entry in ClinVar:

NM_017662.5(TRPM6):c.2445T>C (p.His815=)

Gene: TRPM6 (transient receptor potential cation channel subfamily M member 6; minus strand). Cytogenetic location: 9q21.13.
Variant type: single nucleotide variant.
Coding change: c.2445T>C on transcript NM_017662.5 (MANE Select); coding-DNA position 2445, T replaced by C.
Protein change: p.His815=; no amino-acid change (histidine 815 retained).
Molecular consequence: synonymous variant.
Genome position (GRCh38, 1-based): chr9:74,792,717, A>G on the plus strand (T>C on the coding strand, the complement: TRPM6 is on the minus strand). VCF-style: chr9-74792717-A-G. GRCh37 (hg19) VCF-style: chr9-77407633-A-G.
Other names: c.2430T>C, p.His810= (NM_001177310.2, NM_001177311.2).
Identifiers: ClinVar variation 367313 (VCV000367313.11), dbSNP rs200248159, ClinGen allele CA5084557.
Genomic context (GRCh38, chr9:74,792,717, plus strand): 5'-GTAGAACTCATAGACTTTCCTGGTCCACGGAAGGTGTTGGTGCCCACTTTCCAAACCAAA[A>G]TGCTGATTTTCATCCAGTTTCTCATCATGGCCCCTTTCCAAATCATACTCTTTCTATAAA-3'
Protein context (NP_060132.3, residues 805-825): GHDEKLDENQ[His815=]FGLESGHQHL

ClinVar aggregate classification (germline): Conflicting classifications of pathogenicity. Review status: criteria provided, conflicting classifications (1 of 4 stars). 4 submissions from 4 submitters: Uncertain significance (1); Benign (1); Likely benign (1). 1 of the submissions does not count toward it. Last evaluated 2025-09-01.

Conditions:
TRPM6-related disorder. Also called: TRPM6-related condition.
Intestinal hypomagnesemia 1. Also called: HYPOMAGNESEMIA, INTESTINAL, WITH SECONDARY HYPOCALCEMIA; HYPOMAGNESEMIC TETANY. Identifiers: Orphanet 30924, MedGen C1865974, MONDO:0011176, OMIM 602014.

Allele frequency attached by ClinVar (database versions not stated): gnomAD 0.00005 and 0.00006; ESP Exome Variant Server 0.00008; TOPMed 0.00008; gnomAD exomes 0.00010 and 0.00022; 1000 Genomes Project 30x 0.00016; ExAC 0.00019; 1000 Genomes Project 0.00020.
gnomAD v4.1: 163 of 1,613,932 alleles (0.01%); highest among the groups gnomAD compares: Non-Finnish European, 0.0025%; no homozygotes.

Submissions (4):

Labcorp Genetics (formerly Invitae), Labcorp
Classification: Benign. Last evaluated: 2025-09-01. Review status: criteria provided, single submitter. Criteria: Invitae Variant Classification Sherloc (09022015). Collection method: clinical testing. Allele origin: germline.

Blueprint Genetics
Classification: Likely benign. Last evaluated: 2023-11-17. Review status: criteria provided, single submitter. Criteria: ACMG Guidelines, 2015. Collection method: clinical testing. Allele origin: germline.

Illumina Laboratory Services, Illumina
Classification: Uncertain significance for Intestinal hypomagnesemia 1. Last evaluated: 2018-01-13. Review status: criteria provided, single submitter. Criteria: ICSL Variant Classification Criteria 13 December 2019. Collection method: clinical testing. Allele origin: germline.

PreventionGenetics, part of Exact Sciences
Classification: Likely benign for TRPM6-related condition. Last evaluated: 2023-06-13. Review status: no assertion criteria provided. Collection method: clinical testing. Allele origin: germline. Not counted in ClinVar's aggregate classification.
Comment: This variant is classified as likely benign based on ACMG/AMP sequence variant interpretation guidelines (Richards et al. 2015 PMID: 25741868, with internal and published modifications).